The following is an entry in ClinVar:

NM_002519.3(NPAT):c.602C>T (p.Ala201Val)

Gene: NPAT (nuclear protein, coactivator of histone transcription; minus strand). Cytogenetic location: 11q22.3.
Variant type: single nucleotide variant.
Coding change: c.602C>T on transcript NM_002519.3 (MANE Select); coding-DNA position 602, C replaced by T.
Protein change: p.Ala201Val; replaces alanine 201 with valine.
Molecular consequence: missense variant.
Genome position (GRCh38, 1-based): chr11:108,188,134, G>A on the plus strand (C>T on the coding strand, the complement: NPAT is on the minus strand). VCF-style: chr11-108188134-G-A. GRCh37 (hg19) VCF-style: chr11-108058861-G-A.
Other names: c.602C>T, p.Ala201Val (NM_001321307.1); short protein forms A201V.
Identifiers: ClinVar variation 1751168 (VCV001751168.2), dbSNP rs776542605, ClinGen allele CA6264257.
Genomic context (GRCh38, chr11:108,188,134, plus strand): 5'-TTGTCTCTTTTAAAAAGCATTTACCTTTTGCGTCTACCGGGAGACATTAAACTGGCATGT[G>A]CTTTCTTTTCCTGAGCACCAGGAATGACATTTAAAGCTTCTCCAGCTGTATTTCAAGAAA-3'
Protein context (NP_002510.2, residues 191-211): NVIPGAQEKK[Ala201Val]HASLMSPGRR

ClinVar aggregate classification (germline): Uncertain significance (1 of 4 stars; one submission).

Allele frequency attached by ClinVar (database versions not stated): TOPMed below 0.00001; gnomAD exomes 0.00001; ExAC 0.00002.

Submission:

Ambry Genetics
Classification: Uncertain significance. Last evaluated: 2022-09-04. Review status: criteria provided, single submitter. Criteria: Ambry Variant Classification Scheme 2023. Collection method: clinical testing. Allele origin: germline.
Comment: The p.A201V variant (also known as c.602C>T), located in coding exon 7 of the NPAT gene, results from a C to T substitution at nucleotide position 602. The alanine at codon 201 is replaced by valine, an amino acid with similar properties. This amino acid position is conserved. In addition, this alteration is predicted to be tolerated by in silico analysis. Since supporting evidence is limited at this time, the clinical significance of this alteration remains unclear.